The following is an entry in ClinVar:

ClinVar aggregate classification (germline): Uncertain significance (1 of 4 stars; one submission).

Conditions:
POLD1-related polyposis and colorectal cancer syndrome (CRCS10). Also called: Colorectal cancer 10; COLORECTAL CANCER, SUSCEPTIBILITY TO, ON CHROMOSOME 19q; Colorectal cancer, susceptibility to, 10. Identifiers: Orphanet 220460, MedGen C2675481, MONDO:0012953, OMIM 612591.

Submission:

Labcorp Genetics (formerly Invitae), Labcorp
Classification: Uncertain significance for POLD1-related polyposis and colorectal cancer syndrome. Last evaluated: 2024-09-25. Review status: criteria provided, single submitter. Criteria: Invitae Variant Classification Sherloc (09022015). Collection method: clinical testing. Allele origin: germline.
Comment: This sequence change replaces aspartic acid, which is acidic and polar, with tyrosine, which is neutral and polar, at codon 67 of the POLD1 protein (p.Asp67Tyr). This variant is not present in population databases (gnomAD no frequency). This variant has not been reported in the literature in individuals affected with POLD1-related conditions. ClinVar contains an entry for this variant (Variation ID: 1005532). Invitae Evidence Modeling of protein sequence and biophysical properties (such as structural, functional, and spatial information, amino acid conservation, physicochemical variation, residue mobility, and thermodynamic stability) indicates that this missense variant is not expected to disrupt POLD1 protein function with a negative predictive value of 80%. In summary, the available evidence is currently insufficient to determine the role of this variant in disease. Therefore, it has been classified as a Variant of Uncertain Significance.

NM_002691.4(POLD1):c.199G>T (p.Asp67Tyr)

Gene: POLD1 (DNA polymerase delta 1, catalytic subunit; plus strand). Cytogenetic location: 19q13.33.
Variant type: single nucleotide variant.
Coding change: c.199G>T on transcript NM_002691.4 (MANE Select); coding-DNA position 199, G replaced by T.
Protein change: p.Asp67Tyr; replaces aspartic acid 67 with tyrosine.
Molecular consequence: missense variant. On other transcripts: non-coding transcript variant (1).
Genome position (GRCh38, 1-based): chr19:50,399,050, G>T. VCF-style: chr19-50399050-G-T. GRCh37 (hg19) VCF-style: chr19-50902307-G-T.
Other names: c.199G>T, p.Asp67Tyr (NM_001256849.1, NM_001308632.1); short protein forms D67Y.
Identifiers: ClinVar variation 1005532 (VCV001005532.8), dbSNP rs2038483383, ClinGen allele CA406970359.